The following is an entry in ClinVar:

NM_001032283.3(TMPO):c.565+1774C>T

Gene: TMPO (thymopoietin; plus strand). Cytogenetic location: 12q23.1.
Variant type: single nucleotide variant.
Coding change: c.565+1774C>T on transcript NM_001032283.3 (MANE Select); 1774 bases into the intron after coding-DNA position 565, C replaced by T.
Molecular consequence: intron variant. On other transcripts: missense variant (1).
Genome position (GRCh38, 1-based): chr12:98,533,612, C>T. VCF-style: chr12-98533612-C-T. GRCh37 (hg19) VCF-style: chr12-98927390-C-T.
Other names: c.1355C>T, p.Pro452Leu (NM_003276.2); c.565+1774C>T (NM_001307975.2, NM_001032284.3); short protein forms P452L.
Identifiers: ClinVar variation 1770682 (VCV001770682.2), dbSNP rs762576951, ClinGen allele CA6732402.

ClinVar aggregate classification (germline): Uncertain significance (1 of 4 stars; one submission).

Allele frequency attached by ClinVar (database versions not stated): ExAC 0.00002.
gnomAD v4.1: 4 of 1,614,182 alleles (0.00025%); highest among the groups gnomAD compares: Admixed American, 0.005%; no homozygotes.

Submission:

Ambry Genetics
Classification: Uncertain significance. Last evaluated: 2021-08-10. Review status: criteria provided, single submitter. Criteria: Ambry Variant Classification Scheme 2023. Collection method: clinical testing. Allele origin: germline.
Comment: The p.P452L variant (also known as c.1355C>T), located in coding exon 4 of the TMPO gene, results from a C to T substitution at nucleotide position 1355. The proline at codon 452 is replaced by leucine, an amino acid with similar properties. This amino acid position is conserved. In addition, this alteration is predicted to be tolerated by in silico analysis. Since supporting evidence is limited at this time, the clinical significance of this alteration remains unclear.